The following is an entry in ClinVar:

NM_018089.3(ANKZF1):c.1405A>C (p.Thr469Pro)

Gene: ANKZF1 (ankyrin repeat and zinc finger peptidyl tRNA hydrolase 1; plus strand). Cytogenetic location: 2q35.
Variant type: single nucleotide variant.
Coding change: c.1405A>C on transcript NM_018089.3 (MANE Select); coding-DNA position 1405, A replaced by C.
Protein change: p.Thr469Pro; replaces threonine 469 with proline.
Molecular consequence: missense variant.
Genome position (GRCh38, 1-based): chr2:219,235,026, A>C. VCF-style: chr2-219235026-A-C. GRCh37 (hg19) VCF-style: chr2-220099748-A-C.
Other names: c.1405A>C, p.Thr469Pro (NM_001042410.2); c.775A>C, p.Thr259Pro (NM_001282792.2); short protein forms T259P, T469P.
Identifiers: ClinVar variation 1385524 (VCV001385524.6), dbSNP rs201647899, ClinGen allele CA2121054.
Genomic context (GRCh38, chr2:219,235,026, plus strand): 5'-GACCAGGAGGCTGGGGCACATCGGACTCTTCTCCAGCAAACTCAAGAAGAGGAGCCTTCC[A>C]CACAGTCATCCCAGGCAGTTGCTGCCCCCTTGGGCCCTTTGCTGGATGAGGCCAAAGCCC-3'
Protein context (NP_060559.2, residues 459-479): LQQTQEEEPS[Thr469Pro]QSSQAVAAPL

ClinVar aggregate classification (germline): Uncertain significance (1 of 4 stars; one submission).

Allele frequency attached by ClinVar (database versions not stated): ExAC 0.00020; gnomAD exomes 0.00023; TOPMed 0.00025; gnomAD 0.00029 and 0.00030; ESP Exome Variant Server 0.00057.
gnomAD v4.1: 580 of 1,614,144 alleles (0.036%); highest among the groups gnomAD compares: Admixed American, 0.055%; no homozygotes.

Submission:

Labcorp Genetics (formerly Invitae), Labcorp
Classification: Uncertain significance. Last evaluated: 2026-01-02. Review status: criteria provided, single submitter. Criteria: Invitae Variant Classification Sherloc (09022015). Collection method: clinical testing. Allele origin: germline.
Comment: This sequence change replaces threonine, which is neutral and polar, with proline, which is neutral and non-polar, at codon 469 of the ANKZF1 protein (p.Thr469Pro). This variant is present in population databases (rs201647899, gnomAD 0.04%). This variant has not been reported in the literature in individuals affected with ANKZF1-related conditions. ClinVar contains an entry for this variant (Variation ID: 1385524). An algorithm developed to predict the effect of missense changes on protein structure and function outputs the following: PolyPhen-2: "Benign". The proline amino acid residue is found in multiple mammalian species, which suggests that this missense change does not adversely affect protein function. In summary, the available evidence is currently insufficient to determine the role of this variant in disease. Therefore, it has been classified as a Variant of Uncertain Significance.